The following is an entry in ClinVar:

ClinVar aggregate classification (germline): Likely pathogenic (1 of 4 stars; one submission).

Conditions:
Mucopolysaccharidosis, MPS-II (MPS2). Also called: Hunter Syndrome; IDURONATE 2-SULFATASE DEFICIENCY; Mucopolysaccharidosis Type II; Mucopolysaccharidosis type 2; Attenuated MPS (subtype; formerly known as mild MPS II); Severe MPS II. Identifiers: Orphanet 580, Orphanet 79388, MedGen C0026705, MONDO:0010674, OMIM 309900.

Submission:

Laboratory of Diagnosis and Therapy of Lysosomal Disorders, University of Padova
Classification: Likely pathogenic for Mucopolysaccharidosis, MPS-II. Last evaluated: 2024-06-07. Review status: criteria provided, single submitter. Criteria: ACMG Guidelines, 2015. Collection method: literature only. Allele origin: germline. Affected: yes. Observed: 1 variant allele.
Comment: Absent from controls (or at low frequency) in gnomAD database (PM2_Moderate), Missense variant in a gene with a low rate of benign missense variation (PP2_Supporting), Multiple lines of computational evidence support a deleterious effect (PP3_Supporting), Patient’s phenotype or family history highly specific for the disease (PP4_Strong)

Classification method: ACMG Guidelines [PMID:25741868] with modifications

Literature cited by the submitters: PubMed 36713083.

NM_000202.8(IDS):c.1432G>C (p.Asp478His)

Gene: IDS (iduronate 2-sulfatase; minus strand). Cytogenetic location: Xq28.
Variant type: single nucleotide variant.
Coding change: c.1432G>C on transcript NM_000202.8 (MANE Select); coding-DNA position 1432, G replaced by C.
Protein change: p.Asp478His; replaces aspartic acid 478 with histidine.
Molecular consequence: missense variant.
Genome position (GRCh38, 1-based): chrX:149,482,967, C>G on the plus strand (G>C on the coding strand, the complement: IDS is on the minus strand). VCF-style: chrX-149482967-C-G. GRCh37 (hg19) VCF-style: chrX-148564498-C-G.
Other names: c.1162G>C, p.Asp388His (NM_001166550.4); short protein forms D388H, D478H.
Identifiers: ClinVar variation 3256057 (VCV003256057.2).